The following is an entry in ClinVar:

ClinVar aggregate classification (germline): Conflicting classifications of pathogenicity. Review status: criteria provided, conflicting classifications (1 of 4 stars). 5 submissions from 5 submitters: Uncertain significance (1); Likely benign (4). Last evaluated 2025-11-26.

Conditions:
SH3TC2-related disorder. Also called: SH3TC2-related disorders; SH3TC2-related condition. Identifiers: MedGen CN239303.
Inborn genetic diseases. Identifiers: MedGen C0950123, MeSH D030342.
Charcot-Marie-Tooth disease type 4. Also called: Charcot-Marie-Tooth disease, type IV; Charcot-Marie-Tooth, Type 4. Identifiers: Orphanet 64749, MedGen C4082197, MONDO:0018995.

Allele frequency attached by ClinVar (database versions not stated): gnomAD exomes 0.00004 and 0.00006; ExAC 0.00005; TOPMed 0.00007; ESP Exome Variant Server 0.00008; gnomAD 0.00011 and 0.00013.
gnomAD v4.1: 104 of 1,614,012 alleles (0.0064%); highest among the groups gnomAD compares: African/African-American, 0.037%; no homozygotes.

Submissions (5):

Labcorp Genetics (formerly Invitae), Labcorp
Classification: Likely benign for Charcot-Marie-Tooth disease type 4. Last evaluated: 2025-11-26. Review status: criteria provided, single submitter. Criteria: Invitae Variant Classification Sherloc (09022015). Collection method: clinical testing. Allele origin: germline.

PreventionGenetics, part of Exact Sciences
Classification: Likely benign for SH3TC2-related condition. Last evaluated: 2025-02-02. Review status: criteria provided, single submitter. Criteria: ACMG Guidelines, 2015. Collection method: clinical testing. Allele origin: germline.
Comment: This variant is classified as likely benign based on ACMG/AMP sequence variant interpretation guidelines (Richards et al. 2015 PMID: 25741868, with internal and published modifications).

Blueprint Genetics
Classification: Likely benign. Last evaluated: 2024-11-18. Review status: criteria provided, single submitter. Criteria: ACMG Guidelines, 2015. Collection method: clinical testing. Allele origin: germline.

Ambry Genetics
Classification: Likely benign for Inborn genetic diseases. Last evaluated: 2019-07-11. Review status: criteria provided, single submitter. Criteria: Ambry Variant Classification Scheme 2023. Collection method: clinical testing. Allele origin: germline.

Athena Diagnostics
Classification: Uncertain significance. Last evaluated: 2017-04-10. Review status: criteria provided, single submitter. Criteria: Athena Diagnostics Criteria. Collection method: clinical testing. Allele origin: germline.

NM_024577.4(SH3TC2):c.1326G>A (p.Pro442=)

Gene: SH3TC2 (SH3 domain and tetratricopeptide repeats 2; minus strand). Cytogenetic location: 5q32.
Variant type: single nucleotide variant.
Coding change: c.1326G>A on transcript NM_024577.4 (MANE Select); coding-DNA position 1326, G replaced by A.
Protein change: p.Pro442=; no amino-acid change (proline 442 retained).
Molecular consequence: synonymous variant.
Genome position (GRCh38, 1-based): chr5:149,028,406, C>T on the plus strand (G>A on the coding strand, the complement: SH3TC2 is on the minus strand). VCF-style: chr5-149028406-C-T. GRCh37 (hg19) VCF-style: chr5-148407969-C-T.
Identifiers: ClinVar variation 448364 (VCV000448364.15), dbSNP rs138967360, ClinGen allele CA3499196.